The following is an entry in ClinVar:

ClinVar aggregate classification (germline): Pathogenic (1 of 4 stars; one submission).

Conditions:
Hereditary diffuse gastric adenocarcinoma (HDGC). Also called: DIFFUSE GASTRIC AND LOBULAR BREAST CANCER SYNDROME. Identifiers: Orphanet 26106, MedGen C1708349, MONDO:0007648, OMIM 137215.

Submission:

Myriad Genetics, Inc.
Classification: Pathogenic for Hereditary diffuse gastric adenocarcinoma. Last evaluated: 2023-06-08. Review status: criteria provided, single submitter. Criteria: Myriad Autosomal Dominant, Autosomal Recessive and X-Linked Classification Criteria (2023). Collection method: clinical testing. Allele origin: unknown.
Comment: This variant is considered pathogenic. This variant creates a frameshift predicted to result in premature protein truncation.

NM_004360.5(CDH1):c.64_80del (p.Cys22fs)

Gene: CDH1 (cadherin 1; plus strand). Cytogenetic location: 16q22.1.
Variant type: Deletion.
Coding change: c.64_80del on transcript NM_004360.5 (MANE Select); coding-DNA positions 64 to 80, 17 bases deleted (TGCCAGGAGCCGGAGCC).
Protein change: p.Cys22fs; shifts the reading frame from cysteine 22.
Molecular consequence: frameshift variant. On other transcripts: 5 prime UTR variant (2).
Genome position (GRCh38, 1-based): chr16:68,738,312-68,738,328, TGCCAGGAGCCGGAGCC deleted; deleting any 17 consecutive bases within chr16:68,738,311-68,738,328 gives the same sequence; the c. name uses the placement nearest the transcript's 3' end. VCF-style (leftmost placement, unchanged base first): chr16-68738310-TCTGCCAGGAGCCGGAGC-T. GRCh37 (hg19) VCF-style: chr16-68772213-TCTGCCAGGAGCCGGAGC-T.
Other names: c.64_80del, p.Cys22fs (NM_001317184.2); c.-1552_-1536del (NM_001317185.2); c.-1756_-1740del (NM_001317186.2); short protein forms C22fs.
Identifiers: ClinVar variation 2583455 (VCV002583455.2), dbSNP rs2543816586, ClinGen allele CA2582342543.
Genomic context (GRCh38, chr16:68,738,310, plus strand): 5'-GGAACCCTCCGAGTCACCCGGTTCCATCTACCTTTCCCCCACCCCAGGTCTCCTCTTGGC[TCTGCCAGGAGCCGGAGC>T]CCTGCCACCCTGGCTTTGACGCCGAGAGCTACACGTTCACGGTGCCCCGGCGCCACCTGG-3'